The following is an entry in ClinVar:

NM_022124.6(CDH23):c.6707A>G (p.Asn2236Ser)

Gene: CDH23 (cadherin related 23; plus strand). Cytogenetic location: 10q22.1.
Variant type: single nucleotide variant.
Coding change: c.6707A>G on transcript NM_022124.6 (MANE Select); coding-DNA position 6707, A replaced by G.
Protein change: p.Asn2236Ser; replaces asparagine 2236 with serine.
Molecular consequence: missense variant.
Genome position (GRCh38, 1-based): chr10:71,793,635, A>G. VCF-style: chr10-71793635-A-G. GRCh37 (hg19) VCF-style: chr10-73553392-A-G.
Other names: short protein forms N2236S.
Identifiers: ClinVar variation 618556 (VCV000618556.13), dbSNP rs545514111, ClinGen allele CA5546153.
Genomic context (GRCh38, chr10:71,793,635, plus strand): 5'-CCAAGGACGACACTGATCGCCTGGTGCCCAACCAGGAGGACGCCTTTGCTGTGAATATCA[A>G]CACAGGTACAAGGGCCTGCACCCCTCCCACCTCCCTCCCAGCTCCCAGTCCTGTCTCCTC-3'
Protein context (NP_071407.4, residues 2226-2246): NQEDAFAVNI[Asn2236Ser]TGSVMVKSPM

ClinVar aggregate classification (germline): Uncertain significance. Review status: criteria provided, multiple submitters, no conflicts (2 of 4 stars). 5 submissions from 5 submitters: Uncertain significance (4). 1 of the submissions does not count toward it. Last evaluated 2024-07-05.

Conditions:
Inborn genetic diseases. Identifiers: MedGen C0950123, MeSH D030342.
Usher syndrome type 1 (USH1). Also called: RETINITIS PIGMENTOSA AND CONGENITAL DEAFNESS. Identifiers: Orphanet 231169, Orphanet 886, MedGen C1568247, MONDO:0010168, OMIM 276900.

Allele frequency attached by ClinVar (database versions not stated): gnomAD 0.00002 and 0.00001; ExAC 0.00004; 1000 Genomes Project 30x 0.00016; gnomAD exomes 0.00002; TOPMed 0.00001; 1000 Genomes Project 0.00020.
gnomAD v4.1: 25 of 1,580,642 alleles (0.0016%); highest among the groups gnomAD compares: Admixed American, 0.0051%; no homozygotes.

Submissions (5):

Ambry Genetics
Classification: Uncertain significance for Inborn genetic diseases. Last evaluated: 2024-07-05. Review status: criteria provided, single submitter. Criteria: Ambry Variant Classification Scheme 2023. Collection method: clinical testing. Allele origin: germline.

Labcorp Genetics (formerly Invitae), Labcorp
Classification: Uncertain significance. Last evaluated: 2021-10-05. Review status: criteria provided, single submitter. Criteria: Invitae Variant Classification Sherloc (09022015). Collection method: clinical testing. Allele origin: germline.
Comment: This sequence change replaces asparagine with serine at codon 2236 of the CDH23 protein (p.Asn2236Ser). The asparagine residue is highly conserved and there is a small physicochemical difference between asparagine and serine. This variant is present in population databases (rs545514111, ExAC 0.01%). This variant has not been reported in the literature in individuals with CDH23-related conditions. Algorithms developed to predict the effect of missense changes on protein structure and function are either unavailable or do not agree on the potential impact of this missense change (SIFT: "Tolerated"; PolyPhen-2: "Not Available"; Align-GVGD: "Class C0"). Algorithms developed to predict the effect of sequence changes on RNA splicing suggest that this variant may create or strengthen a splice site, but this prediction has not been confirmed by published transcriptional studies. In summary, the available evidence is currently insufficient to determine the role of this variant in disease. Therefore, it has been classified as a Variant of Uncertain Significance.

Athena Diagnostics
Classification: Uncertain significance. Last evaluated: 2019-02-25. Review status: criteria provided, single submitter. Criteria: Athena Diagnostics Criteria. Collection method: clinical testing. Allele origin: germline.

ARUP Laboratories, Molecular Genetics and Genomics, ARUP Laboratories
Classification: Uncertain significance. Last evaluated: 2017-09-16. Review status: criteria provided, single submitter. Criteria: ARUP Molecular Germline Variant Investigation Process. Collection method: clinical testing. Allele origin: germline.
Comment: The p.Asn2236Ser variant (rs545514111) has not been previously reported in the medical literature. This variant is listed in the Genome Aggregation Database (gnomAD) browser with an overall allele frequency of 0.0014% (identified in 3 out of 214688 chromosomes). The asparagine at codon 2236 is moderately conserved considering 12 species (Alamut software v2.9.0), and computational analyses suggest that this variant does not affect the CDH23 protein structure/function (SIFT: tolerated, PolyPhen2: benign). However, based on the available information, the clinical significance of the p.Asn2236Ser variant cannot be determined with certainty.

Natera, Inc.
Classification: Uncertain significance for Usher syndrome type 1. Last evaluated: 2019-10-28. Review status: no assertion criteria provided. Collection method: clinical testing. Allele origin: germline. Not counted in ClinVar's aggregate classification.